The following is an entry in ClinVar:

ClinVar aggregate classification (germline): Uncertain significance. Review status: criteria provided, multiple submitters, no conflicts (2 of 4 stars). 2 submissions from 2 submitters: Uncertain significance (2). Last evaluated 2025-08-10.

Conditions:
Primary ciliary dyskinesia. Also called: Ciliary dyskinesia. Identifiers: Orphanet 244, MedGen C0008780, MONDO:0016575, HP:0012265.

Allele frequency attached by ClinVar (database versions not stated): TOPMed 0.00003.
gnomAD v4.1: 4 of 1,607,600 alleles (0.00025%); highest among the groups gnomAD compares: Admixed American, 0.0033%; no homozygotes.

Submissions (2):

Labcorp Genetics (formerly Invitae), Labcorp
Classification: Uncertain significance for Primary ciliary dyskinesia. Last evaluated: 2025-08-10. Review status: criteria provided, single submitter. Criteria: Invitae Variant Classification Sherloc (09022015). Collection method: clinical testing. Allele origin: germline.
Comment: This sequence change replaces arginine, which is basic and polar, with proline, which is neutral and non-polar, at codon 610 of the RSPH4A protein (p.Arg610Pro). This variant is present in population databases (rs751741926, gnomAD 0.003%). This variant has not been reported in the literature in individuals affected with RSPH4A-related conditions. ClinVar contains an entry for this variant (Variation ID: 1780904). Invitae Evidence Modeling of protein sequence and biophysical properties (such as structural, functional, and spatial information, amino acid conservation, physicochemical variation, residue mobility, and thermodynamic stability) indicates that this missense variant is not expected to disrupt RSPH4A protein function with a negative predictive value of 80%. In summary, the available evidence is currently insufficient to determine the role of this variant in disease. Therefore, it has been classified as a Variant of Uncertain Significance.

Ambry Genetics
Classification: Uncertain significance for Primary ciliary dyskinesia. Last evaluated: 2022-10-07. Review status: criteria provided, single submitter. Criteria: Ambry Variant Classification Scheme 2023. Collection method: clinical testing. Allele origin: germline.
Comment: The p.R610P variant (also known as c.1829G>C), located in coding exon 5 of the RSPH4A gene, results from a G to C substitution at nucleotide position 1829. The arginine at codon 610 is replaced by proline, an amino acid with dissimilar properties. This amino acid position is conserved. In addition, this alteration is predicted to be tolerated by in silico analysis. Since supporting evidence is limited at this time, the clinical significance of this alteration remains unclear.

NM_001010892.3(RSPH4A):c.1829G>C (p.Arg610Pro)

Gene: RSPH4A (radial spoke head component 4A; plus strand). Cytogenetic location: 6q22.1.
Variant type: single nucleotide variant.
Coding change: c.1829G>C on transcript NM_001010892.3 (MANE Select); coding-DNA position 1829, G replaced by C.
Protein change: p.Arg610Pro; replaces arginine 610 with proline.
Molecular consequence: missense variant.
Genome position (GRCh38, 1-based): chr6:116,630,465, G>C. VCF-style: chr6-116630465-G-C. GRCh37 (hg19) VCF-style: chr6-116951628-G-C.
Other names: c.1693G>C, p.Gly565Arg (NM_001161664.2); short protein forms G565R, R610P.
Identifiers: ClinVar variation 1780904 (VCV001780904.3), dbSNP rs751741926, ClinGen allele CA3971056.